The following is an entry in ClinVar:

NM_002691.4(POLD1):c.2548C>T (p.Arg850Cys)

Gene: POLD1 (DNA polymerase delta 1, catalytic subunit; plus strand). Cytogenetic location: 19q13.33.
Variant type: single nucleotide variant.
Coding change: c.2548C>T on transcript NM_002691.4 (MANE Select); coding-DNA position 2548, C replaced by T.
Protein change: p.Arg850Cys; replaces arginine 850 with cysteine.
Molecular consequence: missense variant. On other transcripts: non-coding transcript variant (1).
Genome position (GRCh38, 1-based): chr19:50,414,974, C>T. VCF-style: chr19-50414974-C-T. GRCh37 (hg19) VCF-style: chr19-50918231-C-T.
Other names: c.2548C>T, p.Arg850Cys (NM_001256849.1); c.2626C>T, p.Arg876Cys (NM_001308632.1); c.2548C>T (NM_002691.2); short protein forms R850C, R876C.
Identifiers: ClinVar variation 246260 (VCV000246260.17), dbSNP rs760898812, ClinGen allele CA9596548.
Genomic context (GRCh38, chr19:50,414,974, plus strand): 5'-GAGGCCGTGCGCAGGGACAACTGCCCCCTCGTGGCCAACCTGGTCACTGCCTCACTGCGC[C>T]GCCTGCTCATCGACCGGTGTGTGGGGCCTCCTCCCTCAGACTCAGGGGGCTGGGCCCCAA-3'
Protein context (NP_002682.2, residues 840-860): VANLVTASLR[Arg850Cys]LLIDRDPEGA

ClinVar aggregate classification (germline): Uncertain significance. Review status: criteria provided, multiple submitters, no conflicts (2 of 4 stars). 4 submissions from 4 submitters: Uncertain significance (4). Last evaluated 2026-08-06.

Conditions:
Hereditary cancer-predisposing syndrome. Also called: Hereditary Cancer Syndrome; Neoplastic Syndromes, Hereditary; Hereditary neoplastic syndrome; Tumor predisposition. Identifiers: Orphanet 140162, MedGen C0027672, MeSH D009386, MONDO:0015356.
POLD1-related polyposis and colorectal cancer syndrome (CRCS10). Also called: COLORECTAL CANCER, SUSCEPTIBILITY TO, ON CHROMOSOME 19q; Colorectal cancer 10; Colorectal cancer, susceptibility to, 10. Identifiers: Orphanet 220460, MedGen C2675481, MONDO:0012953, OMIM 612591.

Allele frequency attached by ClinVar (database versions not stated): gnomAD 0.00001; gnomAD exomes 0.00001; TOPMed 0.00002; ExAC 0.00003.
gnomAD v4.1: 20 of 1,589,204 alleles (0.0013%); highest among the groups gnomAD compares: Admixed American, 0.0035%; no homozygotes.

Submissions (4):

OLLIN Analises Genomicas, OLLIN
Classification: Uncertain significance for POLD1-related polyposis and colorectal cancer syndrome. Last evaluated: 2026-08-06. Review status: criteria provided, single submitter. Criteria: ACMG Guidelines 2015 PMID 25741868. Collection method: clinical testing. Allele origin: germline. Inheritance: Autosomal recessive inheritance.
Comment: This missense variant, located in exon 20 (of 27), has been reported in ClinVar (accession VCV001394197.8) and in gnomAD with an allele frequency of 0.0013%. However, to our knowledge, it has not been reported in the scientific literature. In silico analysis predicts that this variant has a tolerated effect. According to the currently available evidence, this variant has been classified as uncertain significance (BP4_M).

Labcorp Genetics (formerly Invitae), Labcorp
Classification: Uncertain significance for POLD1-related polyposis and colorectal cancer syndrome. Last evaluated: 2026-01-10. Review status: criteria provided, single submitter. Criteria: Invitae Variant Classification Sherloc (09022015). Collection method: clinical testing. Allele origin: germline.
Comment: This sequence change replaces arginine, which is basic and polar, with cysteine, which is neutral and slightly polar, at codon 850 of the POLD1 protein (p.Arg850Cys). This variant is present in population databases (rs760898812, gnomAD 0.003%). This variant has not been reported in the literature in individuals affected with POLD1-related conditions. ClinVar contains an entry for this variant (Variation ID: 246260). Invitae Evidence Modeling of protein sequence and biophysical properties (such as structural, functional, and spatial information, amino acid conservation, physicochemical variation, residue mobility, and thermodynamic stability) indicates that this missense variant is not expected to disrupt POLD1 protein function with a negative predictive value of 80%. In summary, the available evidence is currently insufficient to determine the role of this variant in disease. Therefore, it has been classified as a Variant of Uncertain Significance.

Ambry Genetics
Classification: Uncertain significance for Hereditary cancer-predisposing syndrome. Last evaluated: 2025-08-14. Review status: criteria provided, single submitter. Criteria: Ambry Variant Classification Scheme 2023. Collection method: clinical testing. Allele origin: germline.

GeneDx
Classification: Uncertain significance. Last evaluated: 2024-06-17. Review status: criteria provided, single submitter. Criteria: GeneDx Variant Classification Process June 2021. Collection method: clinical testing. Allele origin: germline. Affected: yes.
Comment: Not observed at significant frequency in large population cohorts (gnomAD); In silico analysis supports that this missense variant has a deleterious effect on protein structure/function; Has not been previously published as pathogenic or benign to our knowledge; This variant is associated with the following publications: (PMID: 25186949, 29056344)